The following is an entry in ClinVar:

NM_004859.4(CLTC):c.4742T>C (p.Val1581Ala)

Gene: CLTC (clathrin heavy chain; plus strand). Cytogenetic location: 17q23.1.
Variant type: single nucleotide variant.
Coding change: c.4742T>C on transcript NM_004859.4 (MANE Select); coding-DNA position 4742, T replaced by C.
Protein change: p.Val1581Ala; replaces valine 1581 with alanine.
Molecular consequence: missense variant.
Genome position (GRCh38, 1-based): chr17:59,685,723, T>C. VCF-style: chr17-59685723-T-C. GRCh37 (hg19) VCF-style: chr17-57763084-T-C.
Other names: c.4754T>C, p.Val1585Ala (NM_001288653.2); short protein forms V1581A, V1585A.
Identifiers: ClinVar variation 1716106 (VCV001716106.5), dbSNP rs2509158749, ClinGen allele CA400422974.

ClinVar aggregate classification (germline): Uncertain significance (1 of 4 stars; one submission).

Submission:

Labcorp Genetics (formerly Invitae), Labcorp
Classification: Uncertain significance. Last evaluated: 2022-08-11. Review status: criteria provided, single submitter. Criteria: Invitae Variant Classification Sherloc (09022015). Collection method: clinical testing. Allele origin: germline.
Comment: This sequence change replaces valine, which is neutral and non-polar, with alanine, which is neutral and non-polar, at codon 1585 of the CLTC protein (p.Val1585Ala). In summary, the available evidence is currently insufficient to determine the role of this variant in disease. Therefore, it has been classified as a Variant of Uncertain Significance. Algorithms developed to predict the effect of missense changes on protein structure and function are either unavailable or do not agree on the potential impact of this missense change (SIFT: "Tolerated"; PolyPhen-2: "Not Available"; Align-GVGD: "Class C0"). This variant has not been reported in the literature in individuals affected with CLTC-related conditions. This variant is not present in population databases (gnomAD no frequency).